The following is an entry in ClinVar:

ClinVar aggregate classification (germline): Conflicting classifications of pathogenicity. Review status: criteria provided, conflicting classifications (1 of 4 stars). 2 submissions from 2 submitters: Likely pathogenic (1); Uncertain significance (1). Last evaluated 2025-10-06.

Conditions:
Thyroid hormone resistance, generalized, autosomal dominant (GRTHD). Also called: HYPERTHYROXINEMIA, FAMILIAL EUTHYROID, SECONDARY TO PITUITARY AND PERIPHERAL RESISTANCE TO THYROID HORMONES. Identifiers: MedGen C2937288, MONDO:0008569, OMIM 188570.

Submissions (2):

Victorian Clinical Genetics Services, Murdoch Childrens Research Institute
Classification: Likely pathogenic for Thyroid hormone resistance, generalized, autosomal dominant. Last evaluated: 2025-10-06. Review status: criteria provided, single submitter. Criteria: ACMG Guidelines, 2015. Collection method: clinical testing. Allele origin: germline. Affected: yes.
Comment: This variant is classified as Likely pathogenic. Evidence in support of pathogenic classification: Variant is absent from gnomAD (v2, v3 and v4); Other missense variants comparable to the one identified in this case have moderate previous evidence for pathogenicity. The p.(Leu346Phe), p.(Leu346Val), and p.(Leu346Arg) variants have been reported in the literature in a heterozygous state in individuals with resistance to thyroid hormone (PMIDs: 19268523, 21870171, 9368505, 31902113); Variant is located in a hotspot region or cluster of PATHOGENIC variants (DECIPHER). - Missense variant predicted to be damaging by in silico tool(s) or highly conserved with a major amino acid change. Additional information: Variant is predicted to result in a missense amino acid change from Leu to Ile; This variant is heterozygous; This gene is associated with both recessive and dominant disease (OMIM). Autosomal dominant disease is due to a dominant negative effect on the wild type protein, while recessive disease has been described in association with a THRB gene deletion (PMID: 30976996); Previous evidence of pathogenicity for this variant is inconclusive. This variant has been classified as a VUS by a clinical laboratory in ClinVar; No published evidence of segregation with disease has been identified for this variant; No published functional evidence has been identified for this variant; Dominant negative is a known mechanism of disease in this gene and is associated with thyroid hormone resistance (MIM#188570) and thyroid hormone resistance, selective pituitary (MIM#145650) (OMIM; PMID: 30976996); Variants in this gene are known to have variable expressivity. Clinical variability and heterogeneity are well documented in affected individuals (PMID: 30976996); Inheritance information for this variant is not currently available in this individual.

GeneDx
Classification: Uncertain significance. Last evaluated: 2024-01-29. Review status: criteria provided, single submitter. Criteria: GeneDx Variant Classification Process June 2021. Collection method: clinical testing. Allele origin: germline. Affected: yes.
Comment: Has not been previously published as pathogenic or benign to our knowledge; Not observed at significant frequency in large population cohorts (gnomAD); In silico analysis supports that this missense variant does not alter protein structure/function

Literature cited by the submitters: PubMed 30976996 (cited by Victorian Clinical Genetics Services, Murdoch Childrens Research Institute); PubMed 9368505 (cited by Victorian Clinical Genetics Services, Murdoch Childrens Research Institute); PubMed 21870171 (cited by Victorian Clinical Genetics Services, Murdoch Childrens Research Institute); PubMed 31902113 (cited by Victorian Clinical Genetics Services, Murdoch Childrens Research Institute); PubMed 19268523 (cited by Victorian Clinical Genetics Services, Murdoch Childrens Research Institute).

NM_001354712.2(THRB):c.1036C>A (p.Leu346Ile)

Gene: THRB (thyroid hormone receptor beta; minus strand). Cytogenetic location: 3p24.2.
Variant type: single nucleotide variant.
Coding change: c.1036C>A on transcript NM_001354712.2 (MANE Select); coding-DNA position 1036, C replaced by A.
Protein change: p.Leu346Ile; replaces leucine 346 with isoleucine.
Molecular consequence: missense variant. On other transcripts: intron variant (1).
Genome position (GRCh38, 1-based): chr3:24,127,607, G>T on the plus strand (C>A on the coding strand, the complement: THRB is on the minus strand). VCF-style: chr3-24127607-G-T. GRCh37 (hg19) VCF-style: chr3-24169098-G-T.
Other names: c.1036C>A, p.Leu346Ile (NM_000461.5, NM_001128176.3, NM_001128177.2 and 11 more transcripts); c.943C>A, p.Leu315Ile (NM_001354714.2, NM_001354715.2); c.973+63C>A (NM_001374827.1); short protein forms L315I, L346I.
Identifiers: ClinVar variation 3368403 (VCV003368403.3).